The following is an entry in ClinVar:

NM_001267550.2(TTN):c.73110G>A (p.Trp24370Ter)

Genes: TTN (titin; minus strand), TTN-AS1 (TTN antisense RNA 1; plus strand). Cytogenetic location: 2q31.2.
Variant type: single nucleotide variant.
Coding change: c.73110G>A on transcript NM_001267550.2 (MANE Select); coding-DNA position 73110, G replaced by A.
Protein change: p.Trp24370Ter; replaces tryptophan 24370 with a stop codon.
Molecular consequence: nonsense.
Genome position (GRCh38, 1-based): chr2:178,573,022, C>T on the plus strand (G>A on the coding strand, the complement: TTN is on the minus strand). VCF-style: chr2-178573022-C-T. GRCh37 (hg19) VCF-style: chr2-179437749-C-T.
Other names: c.68187G>A, p.Trp22729Ter (NM_001256850.1); c.45915G>A, p.Trp15305Ter (NM_003319.4); c.65406G>A, p.Trp21802Ter (NM_133378.4); c.46290G>A, p.Trp15430Ter (NM_133432.3); c.46491G>A, p.Trp15497Ter (NM_133437.4); short protein forms W15305*, W21802*, W24370*, W15430*, W15497*, W22729*.
Identifiers: ClinVar variation 2109910 (VCV002109910.8), dbSNP rs1261582084, ClinGen allele CA349643934.
Genomic context (GRCh38, chr2:178,573,022, plus strand): 5'-TGTGAGGCCAGTGATAGTATACGAAGTTGCCTTGAGTCCTGCTGGTGGAGTGACAATCTG[C>T]CATTCATCTTCCTCTGGCAGGGCAATCTCAACCATATACCCAGTGATTTCTGAACCACCA-3'

ClinVar aggregate classification (germline): Likely pathogenic. Review status: criteria provided, multiple submitters, no conflicts (2 of 4 stars). 3 submissions from 3 submitters: Likely pathogenic (3). Last evaluated 2025-01-01.

Conditions:
TTN-related disorder. Also called: TTN-related condition; TTN-related disease; TTN-related disorders.
Dilated cardiomyopathy 1G (CMD1G). Identifiers: Orphanet 154, MedGen C1858763, MONDO:0011400, OMIM 604145.
Autosomal recessive limb-girdle muscular dystrophy type 2J (LGMDR10). Also called: MUSCULAR DYSTROPHY, LIMB-GIRDLE, AUTOSOMAL RECESSIVE 10; Limb-girdle muscular dystrophy, type 2J. Identifiers: Orphanet 140922, MedGen C1837342, MONDO:0012127, OMIM 608807.
Hypertrophic cardiomyopathy 9. Also called: Familial hypertrophic cardiomyopathy 9. Identifiers: MedGen C1861065, MONDO:0013412, OMIM 613765.
Tibial muscular dystrophy (TMD). Also called: Udd Distal Myopathy – Tibial Muscular Dystrophy; Tibial muscular dystrophy, tardive; UDD MYOPATHY. Identifiers: Orphanet 609, MedGen C1838244, MONDO:0010870, OMIM 600334.
Myopathy, myofibrillar, 9, with early respiratory failure (MFM9). Also called: EDSTROM MYOPATHY; MYOPATHY, PROXIMAL, WITH EARLY RESPIRATORY MUSCLE INVOLVEMENT; Myopathy, distal, with early respiratory failure, autosomal dominant; Hereditary myopathy with early respiratory failure. Identifiers: Orphanet 178464, Orphanet 34521, MedGen C1863599, MONDO:0011362, OMIM 603689.
Early-onset myopathy with fatal cardiomyopathy (CMYO5). Also called: CONGENITAL MYOPATHY 5 WITH CARDIOMYOPATHY; Salih Myopathy. Identifiers: Orphanet 289377, MedGen C2673677, MONDO:0012714, OMIM 611705. Disease mechanism: loss of function.

Submissions (3):

Labcorp Genetics (formerly Invitae), Labcorp
Classification: Likely pathogenic for Dilated cardiomyopathy 1G; Autosomal recessive limb-girdle muscular dystrophy type 2J. Last evaluated: 2025-01-01. Review status: criteria provided, single submitter. Criteria: Invitae Variant Classification Sherloc (09022015). Collection method: clinical testing. Allele origin: germline.
Comment: This sequence change creates a premature translational stop signal (p.Trp24370*) in the TTN gene. While this is not anticipated to result in nonsense mediated decay, it is expected to create a truncated TTN protein. This variant is not present in population databases (gnomAD no frequency). This variant has not been reported in the literature in individuals affected with TTN-related conditions. ClinVar contains an entry for this variant (Variation ID: 2109910). This variant is located in the A band of TTN (PMID: 25589632). Truncating variants in this region are significantly overrepresented in patients affected with dilated cardiomyopathy (PMID: 25589632). Truncating variants in this region have also been reported in individuals affected with autosomal recessive centronuclear myopathy (PMID: 23975875). In summary, the currently available evidence indicates that the variant is pathogenic, but additional data are needed to prove that conclusively. Therefore, this variant has been classified as Likely Pathogenic.

Blueprint Genetics
Classification: Likely pathogenic for TTN-related disorders. Last evaluated: 2020-10-01. Review status: criteria provided, single submitter. Criteria: ACMG Guidelines, 2015. Collection method: clinical testing. Allele origin: germline. Affected: yes. Observed: 1 variant allele.

Juno Genomics, Hangzhou Juno Genomics, Inc
Classification: Likely pathogenic for Dilated cardiomyopathy 1G; Hypertrophic cardiomyopathy 9; Autosomal recessive limb-girdle muscular dystrophy type 2J; Myopathy, myofibrillar, 9, with early respiratory failure; Early-onset myopathy with fatal cardiomyopathy; Tibial muscular dystrophy. Review status: criteria provided, single submitter. Criteria: ACMG Guidelines, 2015. Collection method: clinical testing. Allele origin: germline.
Comment: Null variant in a gene where loss of function (LOF) is a known mechanism of disease.;Absent from controls (or at extremely low frequency if recessive) in Genome Aggregation Database.

Literature cited by the submitters: PubMed 25589632 (cited by Labcorp Genetics (formerly Invitae), Labcorp); PubMed 23975875 (cited by Labcorp Genetics (formerly Invitae), Labcorp).